The following is an entry in ClinVar:

ClinVar aggregate classification (germline): Uncertain significance (1 of 4 stars; one submission).

Conditions:
Bethlem myopathy 1A. Also called: Bethlem Muscular Dystrophy; MYOPATHY, BENIGN CONGENITAL, WITH CONTRACTURES; Bethlem myopathy 1. Identifiers: Orphanet 610, MedGen CN029274, MONDO:0024530, OMIM 158810.

Allele frequency attached by ClinVar (database versions not stated): gnomAD exomes 0.00001 and 0.00004; ExAC 0.00003.
gnomAD v4.1: 15 of 1,614,084 alleles (0.00093%); highest among the groups gnomAD compares: South Asian, 0.015%; no homozygotes.

Submission:

Labcorp Genetics (formerly Invitae), Labcorp
Classification: Uncertain significance for Bethlem myopathy 1A. Last evaluated: 2021-10-17. Review status: criteria provided, single submitter. Criteria: Invitae Variant Classification Sherloc (09022015). Collection method: clinical testing. Allele origin: germline.
Comment: This variant has not been reported in the literature in individuals with COL6A3-related conditions. Nucleotide substitutions within the consensus splice site are a relatively common cause of aberrant splicing (PMID: 17576681, 9536098). Algorithms developed to predict the effect of sequence changes on RNA splicing suggest that this variant is not likely to affect RNA splicing, but this prediction has not been confirmed by published transcriptional studies. In summary, the available evidence is currently insufficient to determine the role of this variant in disease. Therefore, it has been classified as a Variant of Uncertain Significance. This sequence change falls in intron 7 of the COL6A3 gene. It does not directly change the encoded amino acid sequence of the COL6A3 protein, but it affects a nucleotide within the consensus splice site of the intron. This variant is present in population databases (rs761124398, ExAC 0.02%).

Literature cited by the submitters: PubMed 17576681; PubMed 9536098.

NM_004369.4(COL6A3):c.3070+6G>A

Gene: COL6A3 (collagen type VI alpha 3 chain; minus strand). Cytogenetic location: 2q37.3.
Variant type: single nucleotide variant.
Coding change: c.3070+6G>A on transcript NM_004369.4 (MANE Select); 6 bases into the intron after coding-DNA position 3070, G replaced by A.
Molecular consequence: intron variant.
Genome position (GRCh38, 1-based): chr2:237,376,766, C>T on the plus strand (G>A on the coding strand, the complement: COL6A3 is on the minus strand). VCF-style: chr2-237376766-C-T. GRCh37 (hg19) VCF-style: chr2-238285409-C-T.
Other names: c.1249+6G>A (NM_057166.5); c.2452+6G>A (NM_057167.4, NM_057165.5); c.1849+6G>A (NM_057164.5).
Identifiers: ClinVar variation 999736 (VCV000999736.9), dbSNP rs761124398, ClinGen allele CA2189262.